The following is an entry in ClinVar:

ClinVar aggregate classification (germline): Uncertain significance (1 of 4 stars; one submission).

Submission:

Labcorp Genetics (formerly Invitae), Labcorp
Classification: Uncertain significance. Last evaluated: 2022-09-30. Review status: criteria provided, single submitter. Criteria: Invitae Variant Classification Sherloc (09022015). Collection method: clinical testing. Allele origin: germline.
Comment: This sequence change replaces proline, which is neutral and non-polar, with threonine, which is neutral and polar, at codon 631 of the MAGEL2 protein (p.Pro631Thr). This variant is not present in population databases (gnomAD no frequency). In summary, the available evidence is currently insufficient to determine the role of this variant in disease. Therefore, it has been classified as a Variant of Uncertain Significance. Algorithms developed to predict the effect of missense changes on protein structure and function output the following: SIFT: "Not Available"; PolyPhen-2: "Not Available"; Align-GVGD: "Not Available". The threonine amino acid residue is found in multiple mammalian species, which suggests that this missense change does not adversely affect protein function. This variant has not been reported in the literature in individuals affected with MAGEL2-related conditions.

NM_019066.5(MAGEL2):c.1891C>A (p.Pro631Thr)

Gene: MAGEL2 (MAGE family member L2; minus strand). Cytogenetic location: 15q11.2.
Variant type: single nucleotide variant.
Coding change: c.1891C>A on transcript NM_019066.5 (MANE Select); coding-DNA position 1891, C replaced by A.
Protein change: p.Pro631Thr; replaces proline 631 with threonine.
Molecular consequence: missense variant.
Genome position (GRCh38, 1-based): chr15:23,645,852, G>T on the plus strand (C>A on the coding strand, the complement: MAGEL2 is on the minus strand). VCF-style: chr15-23645852-G-T. GRCh37 (hg19) VCF-style: chr15-23890999-G-T.
Other names: short protein forms P631T.
Identifiers: ClinVar variation 1929021 (VCV001929021.5), dbSNP rs2140714791, ClinGen allele CA391333103.